The following is an entry in ClinVar:

ClinVar aggregate classification (germline): Pathogenic/Likely pathogenic. Review status: criteria provided, multiple submitters, no conflicts (2 of 4 stars). 7 submissions from 7 submitters: Pathogenic (6); Likely pathogenic (1). Last evaluated 2025-04-21.

Conditions:
Sulfite oxidase deficiency. Also called: Isolated sulfite oxidase deficiency. Identifiers: Orphanet 833, Orphanet 99731, MedGen C0268624, MONDO:0010089, OMIM 272300, HP:0003643.
Sulfocysteinuria. Identifiers: MedGen C2931746, HP:0032350.

Allele frequency attached by ClinVar (database versions not stated): gnomAD 0.00001; gnomAD exomes 0.00001; ExAC 0.00002; TOPMed 0.00002.
gnomAD v4.1: 12 of 1,614,080 alleles (0.00074%); highest among the groups gnomAD compares: South Asian, 0.0022%; no homozygotes.

Submissions (7):

Labcorp Genetics (formerly Invitae), Labcorp
Classification: Pathogenic for Sulfite oxidase deficiency. Last evaluated: 2025-04-21. Review status: criteria provided, single submitter. Criteria: Invitae Variant Classification Sherloc (09022015). Collection method: clinical testing. Allele origin: germline.
Comment: This sequence change replaces arginine, which is basic and polar, with histidine, which is basic and polar, at codon 366 of the SUOX protein (p.Arg366His). This variant is present in population databases (rs776690106, gnomAD 0.01%). This missense change has been observed in individual(s) with dystonia and/or sulfite oxidase deficiency (PMID: 12112661, 33098801, 34741542, 35872528). This variant is also known as R309H. ClinVar contains an entry for this variant (Variation ID: 986985). Invitae Evidence Modeling of protein sequence and biophysical properties (such as structural, functional, and spatial information, amino acid conservation, physicochemical variation, residue mobility, and thermodynamic stability) indicates that this missense variant is expected to disrupt SUOX protein function with a positive predictive value of 95%. This variant disrupts the p.Arg366 amino acid residue in SUOX. Other variant(s) that disrupt this residue have been determined to be pathogenic (PMID: 31870341). This suggests that this residue is clinically significant, and that variants that disrupt this residue are likely to be disease-causing. For these reasons, this variant has been classified as Pathogenic.

3billion
Classification: Pathogenic for Sulfite oxidase deficiency. Last evaluated: 2024-07-26. Review status: criteria provided, single submitter. Criteria: ACMG Guidelines, 2015. Collection method: clinical testing. Allele origin: germline. Affected: yes.
Comment: The variant is observed at an extremely low frequency in the gnomAD v4.0.0 dataset (total allele frequency: <0.001%). Predicted Consequence/Location: The majority of the known disease-causing variants of this gene are variants expected to result in premature termination of the protein. In silico tool predictions suggest damaging effect of the variant on gene or gene product [REVEL: 0.96 (>=0.6, sensitivity 0.68 and specificity 0.92); 3Cnet: 0.99 (>=0.6, sensitivity 0.72 and precision 0.9)]. The same nucleotide change resulting in the same amino acid change has been previously reported as pathogenic/likely pathogenic with strong evidence (ClinVar ID: VCV000986985 /PMID: 12112661). A different missense change at the same codon (p.Arg366Cys) has been reported as pathogenic/likely pathogenic with strong evidence (ClinVar ID: VCV001455728 /PMID: 31870341). Therefore, this variant is classified as Pathogenic according to the recommendation of ACMG/AMP guideline.

Fulgent Genetics
Classification: Pathogenic for Sulfite oxidase deficiency. Last evaluated: 2024-05-16. Review status: criteria provided, single submitter. Criteria: ACMG Guidelines, 2015. Collection method: clinical testing. Allele origin: germline.

Women's Health and Genetics/Laboratory Corporation of America, LabCorp
Classification: Pathogenic for Sulfocysteinuria. Last evaluated: 2023-12-13. Review status: criteria provided, single submitter. Criteria: LabCorp Variant Classification Summary - May 2015. Collection method: clinical testing. Allele origin: germline.
Comment: Variant summary: SUOX c.1097G>A (p.Arg366His) results in a non-conservative amino acid change located in the oxidoreductase, molybdopterin-binding domain (IPR000572) of the encoded protein sequence. Five of five in-silico tools predict a damaging effect of the variant on protein function. The variant allele was found at a frequency of 1.2e-05 in 251452 control chromosomes (gnomAD). c.1097G>A has been reported in the literature as a biallelic genotype in individuals affected with and/or with clinical features of (ie. generalized dystonia, ataxia, developmental delay, seizures) Sulfite Oxidase Deficiency (e.g. Johnson_2002, Zech_2020, Kaczmarek_2021). These data indicate that the variant is likely to be associated with disease. At least one publication reports experimental evidence evaluating an impact on protein function. The variant demonstrated compromised Moco binding and the most pronounced effect results in <10% of WT activity when overexpressed in HEK SUOX-/- cells (Kaczmarek_2021). The following publications have been ascertained in the context of this evaluation (PMID: 35872528, 12112661, 34741542, 33098801). Three submitters have cited clinical-significance assessments for this variant to ClinVar after 2014. All submitters classified the variant as pathogenic/likely pathogenic. Based on the evidence outlined above, the variant was classified as pathogenic.

Revvity Omics, Revvity
Classification: Pathogenic for Sulfite oxidase deficiency. Last evaluated: 2023-11-01. Review status: criteria provided, single submitter. Criteria: ACMG Guidelines, 2015. Collection method: clinical testing. Allele origin: germline.

MGZ Medical Genetics Center
Classification: Likely pathogenic for Sulfite oxidase deficiency. Last evaluated: 2022-08-22. Review status: criteria provided, single submitter. Criteria: ACMG Guidelines, 2015. Collection method: clinical testing. Allele origin: germline. Affected: yes. Observed: 2 variant alleles.
Comment: ACMG criteria applied: PS4_MOD, PS3_SUP, PM2_SUP, PM3_SUP, PP3

Institute of Medical Genetics and Applied Genomics, University Hospital Tübingen
Classification: Pathogenic. Last evaluated: 2020-10-23. Review status: criteria provided, single submitter. Criteria: ACMG Guidelines, 2015. Collection method: clinical testing. Allele origin: germline. Inheritance: Autosomal recessive inheritance. Affected: yes.

Literature cited by the submitters: PubMed 12112661 (cited by 3 submitters); PubMed 33098801 (cited by Labcorp Genetics (formerly Invitae), Labcorp and Women's Health and Genetics/Laboratory Corporation of America, LabCorp); PubMed 34741542 (cited by Labcorp Genetics (formerly Invitae), Labcorp and Women's Health and Genetics/Laboratory Corporation of America, LabCorp); PubMed 35872528 (cited by Labcorp Genetics (formerly Invitae), Labcorp and Women's Health and Genetics/Laboratory Corporation of America, LabCorp); PubMed 31870341 (cited by Labcorp Genetics (formerly Invitae), Labcorp and 3billion).

NM_001032386.2(SUOX):c.1097G>A (p.Arg366His)

Gene: SUOX (sulfite oxidase; plus strand). Cytogenetic location: 12q13.2.
Variant type: single nucleotide variant.
Coding change: c.1097G>A on transcript NM_001032386.2 (MANE Select); coding-DNA position 1097, G replaced by A.
Protein change: p.Arg366His; replaces arginine 366 with histidine.
Molecular consequence: missense variant.
Genome position (GRCh38, 1-based): chr12:56,004,486, G>A. VCF-style: chr12-56004486-G-A. GRCh37 (hg19) VCF-style: chr12-56398270-G-A.
Other names: c.1097G>A, p.Arg366His (NM_000456.3, NM_001032387.2); c.1097G>A (NM_000456.2); short protein forms R366H.
Identifiers: ClinVar variation 986985 (VCV000986985.13), dbSNP rs776690106, ClinGen allele CA6621097.